The following is an entry in ClinVar:

ClinVar aggregate classification (germline): Uncertain significance. Review status: criteria provided, multiple submitters, no conflicts (2 of 4 stars). 3 submissions from 3 submitters: Uncertain significance (3). Last evaluated 2025-09-03.

Conditions:
Cardiovascular phenotype. Identifiers: MedGen CN230736.
Dilated cardiomyopathy 1O (CMD1O). Also called: CARDIOMYOPATHY, DILATED, WITH VENTRICULAR TACHYCARDIA. Identifiers: Orphanet 154, MedGen C1837839, MONDO:0012062, OMIM 608569.

Allele frequency attached by ClinVar (database versions not stated): TOPMed 0.00001; gnomAD 0.00003.
gnomAD v4.1: 4 of 1,613,692 alleles (0.00025%); highest among the groups gnomAD compares: African/African-American, 0.004%; no homozygotes.

Submissions (3):

Labcorp Genetics (formerly Invitae), Labcorp
Classification: Uncertain significance for Dilated cardiomyopathy 1O. Last evaluated: 2025-09-03. Review status: criteria provided, single submitter. Criteria: Invitae Variant Classification Sherloc (09022015). Collection method: clinical testing. Allele origin: germline.
Comment: This sequence change replaces valine, which is neutral and non-polar, with isoleucine, which is neutral and non-polar, at codon 1507 of the ABCC9 protein (p.Val1507Ile). This variant is present in population databases (no rsID available, gnomAD 0.01%). This variant has not been reported in the literature in individuals affected with ABCC9-related conditions. ClinVar contains an entry for this variant (Variation ID: 228425). Invitae Evidence Modeling of protein sequence and biophysical properties (such as structural, functional, and spatial information, amino acid conservation, physicochemical variation, residue mobility, and thermodynamic stability) indicates that this missense variant is expected to disrupt ABCC9 protein function with a positive predictive value of 95%. In summary, the available evidence is currently insufficient to determine the role of this variant in disease. Therefore, it has been classified as a Variant of Uncertain Significance.

Ambry Genetics
Classification: Uncertain significance for Cardiovascular phenotype. Last evaluated: 2022-05-23. Review status: criteria provided, single submitter. Criteria: Ambry Variant Classification Scheme 2023. Collection method: clinical testing. Allele origin: germline.
Comment: The p.V1507I variant (also known as c.4519G>A), located in coding exon 38 of the ABCC9 gene, results from a G to A substitution at nucleotide position 4519. The valine at codon 1507 is replaced by isoleucine, an amino acid with highly similar properties. This amino acid position is highly conserved in available vertebrate species. In addition, the in silico prediction for this alteration is inconclusive. Since supporting evidence is limited at this time, the clinical significance of this alteration remains unclear.

Laboratory for Molecular Medicine, Mass General Brigham Personalized Medicine
Classification: Uncertain significance. Last evaluated: 2015-03-04. Review status: criteria provided, single submitter. Criteria: LMM Criteria. Collection method: clinical testing. Allele origin: germline. Observed: 1 variant allele.
Comment: The p.Val1507Ile variant in ABCC9 has not been previously reported in individual s with cardiomyopathy or in large population studies. Computational prediction t ools and conservation analysis do not provide strong support for or against an i mpact to the protein. In summary, the clinical significance of the p.Val1507Ile variant is uncertain.

NM_020297.4(ABCC9):c.4512+693G>A

Genes: ABCC9 (ATP binding cassette subfamily C member 9; minus strand), KCNJ8-AS1 (KCNJ8 antisense RNA 1; plus strand). Cytogenetic location: 12p12.1.
Variant type: single nucleotide variant.
Coding change: c.4512+693G>A on transcript NM_020297.4 (MANE Select); 693 bases into the intron after coding-DNA position 4512, G replaced by A.
Molecular consequence: intron variant. On other transcripts: missense variant (1).
Genome position (GRCh38, 1-based): chr12:21,805,305, C>T on the plus strand (G>A on the coding strand, the complement: ABCC9 is on the minus strand). VCF-style: chr12-21805305-C-T. GRCh37 (hg19) VCF-style: chr12-21958239-C-T.
Other names: c.4519G>A, p.Val1507Ile (NM_005691.4); c.3645+693G>A (NM_001377274.1); c.4512+693G>A (NM_001377273.1); short protein forms V1507I.
Identifiers: ClinVar variation 228425 (VCV000228425.11), dbSNP rs876657737, ClinGen allele CA10576913.
Genomic context (GRCh38, chr12:21,805,305, plus strand): 5'-ACTCCACTAAAATACCCTCAGAAAAGACTAAAACAAGGCCTGCATCCATAATAGAAGAGA[C>T]ACGGTGCTGGAGAGAAAAATAGAAAAGAAGAGAATCAGCAGAAGGAAAAATGTCCAAGTG-3'